The following is an entry in ClinVar:

ClinVar aggregate classification (germline): Pathogenic/Likely pathogenic. Review status: criteria provided, multiple submitters, no conflicts (2 of 4 stars). 2 submissions from 2 submitters: Pathogenic (1); Likely pathogenic (1). Last evaluated 2026-01-14.

Conditions:
Nemaline myopathy 2 (NEM2). Also called: Nemaline myopathy 2, autosomal recessive. Identifiers: MedGen C1850569, MONDO:0009725, OMIM 256030.

Submissions (2):

Natera, Inc.
Classification: Likely pathogenic for Nemaline myopathy type 2. Last evaluated: 2026-01-14. Review status: criteria provided, single submitter. Criteria: Natera Variant Classification Schema (03/2026). Collection method: clinical testing. Allele origin: germline.
Comment: The c.13599C>G variant in NEB is a nonsense variant predicted to introduce a stop codon at amino acid 4533. This variant is expected to result in nonsense mediated decay, truncation, or a dysfunctional protein product. This variant is rare in the general population with a frequency below the threshold expected for the associated phenotype(s). Given the available evidence, this variant is classified as Likely Pathogenic.

Labcorp Genetics (formerly Invitae), Labcorp
Classification: Pathogenic for Nemaline myopathy 2. Last evaluated: 2021-04-29. Review status: criteria provided, single submitter. Criteria: Invitae Variant Classification Sherloc (09022015). Collection method: clinical testing. Allele origin: germline.
Comment: This variant occurs in a region of NEB (Exons 82-105) consisting of three highly homologous 8-exon repeat units (exons 82-89, exons 90-97, exons 98-105). Sequence variants in this region can be detected, but this assay cannot determine which of the three repeat units is affected, and zygosity is often ambiguous. All variants in this region are reported relative to the exon 82-89 repeat. For these reasons, this variant has been classified as Pathogenic. This variant has not been reported in the literature in individuals with NEB-related conditions. The frequency data for this variant in the population databases (ExAC) is considered unreliable due to the presence of homologous sequence, such as pseudogenes or paralogs, in the genome. This sequence change creates a premature translational stop signal (p.Tyr4533*) in the NEB gene. It is expected to result in an absent or disrupted protein product. Loss-of-function variants in NEB are known to be pathogenic (PMID: 25205138).

Literature cited by the submitters: PubMed 25205138 (cited by Labcorp Genetics (formerly Invitae), Labcorp).

NM_001164508.2(NEB):c.13599C>G (p.Tyr4533Ter)

Gene: NEB (nebulin; minus strand). Cytogenetic location: 2q23.3.
Variant type: single nucleotide variant.
Coding change: c.13599C>G on transcript NM_001164508.2 (MANE Select); coding-DNA position 13599, C replaced by G.
Protein change: p.Tyr4533Ter; replaces tyrosine 4533 with a stop codon.
Molecular consequence: nonsense. On other transcripts: intron variant (1).
Genome position (GRCh38, 1-based): chr2:151,600,631, G>C on the plus strand (C>G on the coding strand, the complement: NEB is on the minus strand). VCF-style: chr2-151600631-G-C. GRCh37 (hg19) VCF-style: chr2-152457145-G-C.
Other names: c.13599C>G, p.Tyr4533Ter (NM_001164507.2, NM_001271208.2); c.11601+9178C>G (NM_004543.5); c.13599C>G (NM_001271208.1); short protein forms Y4533*.
Identifiers: ClinVar variation 1396044 (VCV001396044.9), dbSNP rs2153903239, ClinGen allele CA348768769.
Genomic context (GRCh38, chr2:151,600,631, plus strand): 5'-GATGGACACCATGTCCACAGGGATGGAGATCTTGGCTTTGTGGTCGTTGTAGGCCTTTTT[G>C]TACAGCCTGTCATTCTGCATCTTCAACACATTTGCTGCCCAAACCAGTTTAGGGTCTTCC-3'